The following is an entry in ClinVar:

NM_015164.4(PLEKHM2):c.1085G>T (p.Arg362Leu)

Gene: PLEKHM2 (pleckstrin homology and RUN domain containing M2; plus strand). Cytogenetic location: 1p36.21.
Variant type: single nucleotide variant.
Coding change: c.1085G>T on transcript NM_015164.4 (MANE Select); coding-DNA position 1085, G replaced by T.
Protein change: p.Arg362Leu; replaces arginine 362 with leucine.
Molecular consequence: missense variant.
Genome position (GRCh38, 1-based): chr1:15,727,157, G>T. VCF-style: chr1-15727157-G-T. GRCh37 (hg19) VCF-style: chr1-16053652-G-T.
Other names: c.1025G>T, p.Arg342Leu (NM_001410755.1); short protein forms R342L, R362L.
Identifiers: ClinVar variation 2843535 (VCV002843535.3), dbSNP rs370612427, ClinGen allele CA338585226.
Genomic context (GRCh38, chr1:15,727,157, plus strand): 5'-AGAAGAAATGTGCCAAGCAGGGGGACGGTGACAGCCGCAACGGCAGCCCAAGCCTTGGGC[G>T]GGACTCGCCAGACACTATGCTTGCCTCCCCCCAGGAGGAGGGAGAGGGGCCGAGCAGCAC-3'
Protein context (NP_055979.2, residues 352-372): DSRNGSPSLG[Arg362Leu]DSPDTMLASP

ClinVar aggregate classification (germline): Uncertain significance (1 of 4 stars; one submission).

Submission:

Labcorp Genetics (formerly Invitae), Labcorp
Classification: Uncertain significance. Last evaluated: 2023-03-07. Review status: criteria provided, single submitter. Criteria: Invitae Variant Classification Sherloc (09022015). Collection method: clinical testing. Allele origin: germline.
Comment: This variant has not been reported in the literature in individuals affected with PLEKHM2-related conditions. This variant is not present in population databases (gnomAD no frequency). This sequence change replaces arginine, which is basic and polar, with leucine, which is neutral and non-polar, at codon 362 of the PLEKHM2 protein (p.Arg362Leu). An algorithm developed to predict the effect of missense changes on protein structure and function (PolyPhen-2) suggests that this variant is likely to be tolerated. In summary, the available evidence is currently insufficient to determine the role of this variant in disease. Therefore, it has been classified as a Variant of Uncertain Significance.